The following is an entry in ClinVar:

ClinVar aggregate classification (germline): Uncertain significance (1 of 4 stars; one submission).

Conditions:
Wilson disease (WND). Also called: Wilson's disease. Identifiers: Orphanet 905, MedGen C0019202, MONDO:0010200, OMIM 277900. Disease mechanism: loss of function.

Submission:

Labcorp Genetics (formerly Invitae), Labcorp
Classification: Uncertain significance for Wilson disease. Last evaluated: 2024-10-22. Review status: criteria provided, single submitter. Criteria: Invitae Variant Classification Sherloc (09022015). Collection method: clinical testing. Allele origin: germline.
Comment: This sequence change replaces cysteine, which is neutral and slightly polar, with phenylalanine, which is neutral and non-polar, at codon 69 of the ATP7B protein (p.Cys69Phe). This variant is not present in population databases (gnomAD no frequency). This variant has not been reported in the literature in individuals affected with ATP7B-related conditions. ClinVar contains an entry for this variant (Variation ID: 1992825). Invitae Evidence Modeling of protein sequence and biophysical properties (such as structural, functional, and spatial information, amino acid conservation, physicochemical variation, residue mobility, and thermodynamic stability) indicates that this missense variant is expected to disrupt ATP7B protein function with a positive predictive value of 95%. In summary, the available evidence is currently insufficient to determine the role of this variant in disease. Therefore, it has been classified as a Variant of Uncertain Significance.

NM_000053.4(ATP7B):c.206G>T (p.Cys69Phe)

Gene: ATP7B (ATPase copper transporting beta; minus strand). Cytogenetic location: 13q14.3.
Variant type: single nucleotide variant.
Coding change: c.206G>T on transcript NM_000053.4 (MANE Select); coding-DNA position 206, G replaced by T.
Protein change: p.Cys69Phe; replaces cysteine 69 with phenylalanine.
Molecular consequence: missense variant.
Genome position (GRCh38, 1-based): chr13:51,975,014, C>A on the plus strand (G>T on the coding strand, the complement: ATP7B is on the minus strand). VCF-style: chr13-51975014-C-A. GRCh37 (hg19) VCF-style: chr13-52549150-C-A.
Other names: c.206G>T, p.Cys69Phe (NM_001005918.3, NM_001243182.2, NM_001330578.2 and 30 more transcripts); c.110G>T, p.Cys37Phe (NM_001406517.1, NM_001406518.1, NM_001406530.1 and 4 more transcripts); short protein forms C37F, C69F.
Identifiers: ClinVar variation 1992825 (VCV001992825.4), dbSNP rs2140111993, ClinGen allele CA388044982.